The following is an entry in ClinVar:

ClinVar aggregate classification (germline): Uncertain significance (1 of 4 stars; one submission).

Conditions:
Cardiovascular phenotype. Identifiers: MedGen CN230736.

gnomAD v4.1: 1 of 1,611,500 alleles (0.000062%); highest among the groups gnomAD compares: Non-Finnish European, 0.000085%; no homozygotes.

Submission:

Ambry Genetics
Classification: Uncertain significance for Cardiovascular phenotype. Last evaluated: 2024-07-01. Review status: criteria provided, single submitter. Criteria: Ambry Variant Classification Scheme 2023. Collection method: clinical testing. Allele origin: germline.
Comment: The p.L8W variant (also known as c.23T>G), located in coding exon 1 of the LIPA gene, results from a T to G substitution at nucleotide position 23. The leucine at codon 8 is replaced by tryptophan, an amino acid with similar properties. This amino acid position is conserved. In addition, this alteration is predicted to be tolerated by in silico analysis. Based on the available evidence, the clinical significance of this variant remains unclear.

NM_000235.4(LIPA):c.23T>G (p.Leu8Trp)

Gene: LIPA (lipase A, lysosomal acid type; minus strand). Cytogenetic location: 10q23.31.
Variant type: single nucleotide variant.
Coding change: c.23T>G on transcript NM_000235.4 (MANE Select); coding-DNA position 23, T replaced by G.
Protein change: p.Leu8Trp; replaces leucine 8 with tryptophan.
Molecular consequence: missense variant. On other transcripts: intron variant (1).
Genome position (GRCh38, 1-based): chr10:89,247,626, A>C on the plus strand (T>G on the coding strand, the complement: LIPA is on the minus strand). VCF-style: chr10-89247626-A-C. GRCh37 (hg19) VCF-style: chr10-91007383-A-C.
Other names: c.23T>G, p.Leu8Trp (NM_001127605.3); c.-120+4111T>G (NM_001288979.2); short protein forms L8W.
Identifiers: ClinVar variation 3538429 (VCV003538429.1).